The following is an entry in ClinVar:

ClinVar aggregate classification (germline): Uncertain significance (1 of 4 stars; one submission).

Conditions:
Hereditary breast ovarian cancer syndrome. Also called: Hereditary breast and ovarian cancer syndrome; Hereditary breast and ovarian cancer; Hereditary breast and ovarian cancer syndrome (HBOC); Hereditary breast and/or ovarian cancer syndrome; Breast and ovarian cancer; BRCA1- and BRCA2-Associated Hereditary Breast and Ovarian Cancer. Identifiers: Orphanet 145, MedGen C0677776, MeSH D061325, MONDO:0003582. Disease mechanism: loss of function.

Submission:

Labcorp Genetics (formerly Invitae), Labcorp
Classification: Uncertain significance for Hereditary breast ovarian cancer syndrome. Last evaluated: 2022-03-18. Review status: criteria provided, single submitter. Criteria: Invitae Variant Classification Sherloc (09022015). Collection method: clinical testing. Allele origin: germline.
Comment: This variant is not present in population databases (gnomAD no frequency). In summary, the available evidence is currently insufficient to determine the role of this variant in disease. Therefore, it has been classified as a Variant of Uncertain Significance. Experimental studies and prediction algorithms are not available or were not evaluated, and the functional significance of this variant is currently unknown. This variant has not been reported in the literature in individuals affected with BRCA2-related conditions. This variant occurs in a non-coding region of the BRCA2 gene. It does not change the encoded amino acid sequence of the BRCA2 protein.

NM_000059.4(BRCA2):c.-48C>G

Genes: BRCA2 (BRCA2 DNA repair associated; plus strand), LOC106721785 (BRCA2 promoter/silencer region; plus strand). Cytogenetic location: 13q13.1.
Variant type: single nucleotide variant.
Coding change: c.-48C>G on transcript NM_000059.4 (MANE Select); 48 bases upstream of the start codon, C replaced by G.
Molecular consequence: 5 prime UTR variant.
Genome position (GRCh38, 1-based): chr13:32,315,659, C>G. VCF-style: chr13-32315659-C-G. GRCh37 (hg19) VCF-style: chr13-32889796-C-G.
Other names: c.-48C>G (NM_001406719.1, NM_001406720.1, NM_001406721.1); c.-311C>G (NM_001406722.1).
Identifiers: ClinVar variation 2113396 (VCV002113396.4), dbSNP rs2548508866, ClinGen allele CA2580086911.